The following is an entry in ClinVar:

ClinVar aggregate classification (germline): Pathogenic. Review status: reviewed by expert panel (3 of 4 stars). 9 submissions from 9 submitters: Pathogenic (1). 8 of the submissions do not count toward it. Last evaluated 2025-12-05.

Conditions:
ABCA4-related retinopathy. Also called: ABCA4 retinoapthy; ABCA4-related retinoapthy. Identifiers: MedGen CN322612, MONDO:0800406.
Cone-rod dystrophy 3 (CORD3). Identifiers: Orphanet 1872, MedGen C1858806, MONDO:0011395, OMIM 604116.
Severe early-childhood-onset retinal dystrophy (STGD1). Also called: MACULAR DYSTROPHY WITH FLECKS, TYPE 1; Stargardt macular dystrophy; Juvenile onset macular degeneration; Stargardt disease 1; STGD. Identifiers: Orphanet 364055, Orphanet 827, MedGen C1855465, MeSH D000080362, MONDO:0009549, OMIM 248200.
Stargardt disease 3. Also called: MACULAR DYSTROPHY WITH FLECKS, TYPE 3; STARGARDT-LIKE MACULAR DYSTROPHY, AUTOSOMAL DOMINANT. Identifiers: Orphanet 827, MedGen C1838644, MONDO:0010819, OMIM 600110.

Submissions (9):

ClinGen ABCA4 Variant Curation Expert Panel, Clingen
Classification: Pathogenic for ABCA4-related retinopathy. Last evaluated: 2025-12-05. Review status: reviewed by expert panel. Criteria: ClinGen ABCA4 ACMG Specifications V1.0.0. Collection method: curation. Allele origin: germline. Inheritance: Autosomal recessive inheritance.
Comment: NM_000350.3(ABCA4):c.2888del (p.Gly963AlafsTer14) is a frameshift variant located in exon 19 out of 50, and introduces a premature stop codon between codons 1-2255 (PVS1). The total minor allele frequency in gnomAD v4.1.0 is 0.0000006195 (1/1614152 alleles), which is lower than the ClinGen ABCA4 VCEP’s threshold for PM2_Supporting (<0.0001). The prevalence of the variant in affected individuals is significantly increased compared with the prevalence in controls with an OR is infinity and the CI is 81.70-infinity, which is above the ABCA4 VCEP threshold of ≥5, where the CI does not contain 1 (PS4; PMID: 35120629). In summary, this variant meets the criteria to be classified as pathogenic for ABCA4-related retinopathy based on the ACMG/AMP criteria applied, as specified by the ClinGen ABCA4 VCEP (Specification Version 1.0): PVS1, PS4, PM2_Supporting.

Labcorp Genetics (formerly Invitae), Labcorp
Classification: Pathogenic. Last evaluated: 2025-08-29. Review status: criteria provided, single submitter. Criteria: Invitae Variant Classification Sherloc (09022015). Collection method: clinical testing. Allele origin: germline. Not counted in ClinVar's aggregate classification.
Comment: This sequence change creates a premature translational stop signal (p.Gly963Alafs*14) in the ABCA4 gene. It is expected to result in an absent or disrupted protein product. Loss-of-function variants in ABCA4 are known to be pathogenic (PMID: 10958761, 24938718, 25312043, 26780318). This variant is present in population databases (rs61752410, gnomAD 0.003%). This premature translational stop signal has been observed in individual(s) with ABCA4-related conditions (PMID: 11385708, 23755871, 29847639, 31129250). ClinVar contains an entry for this variant (Variation ID: 7905). For these reasons, this variant has been classified as Pathogenic.

Dasa
Classification: Pathogenic. Last evaluated: 2024-07-31. Review status: criteria provided, single submitter. Criteria: DASA Assertion Criteria. Collection method: clinical testing. Allele origin: germline. Not counted in ClinVar's aggregate classification.
Comment: NM_000350.3(ABCA4):c.2888del (p.Gly963Alafs*14) introduces a premature termination codon predicted to result in loss of normal protein function. Loss-of-function is an established mechanism of disease for this gene. The variant is present at low frequency in population datasets. Based on the available data, this variant is classified as pathogenic.

DBGen Ocular Genomics
Classification: Pathogenic for Severe early-childhood-onset retinal dystrophy. Last evaluated: 2021-05-31. Review status: criteria provided, single submitter. Criteria: ACMG Guidelines, 2015. Collection method: clinical testing. Allele origin: germline. Affected: yes. Observed: 1 variant allele. Not counted in ClinVar's aggregate classification.

Mendelics
Classification: Pathogenic for Severe early-childhood-onset retinal dystrophy. Last evaluated: 2019-05-28. Review status: criteria provided, single submitter. Criteria: Mendelics Assertion Criteria 2017. Collection method: clinical testing. Allele origin: unknown. Not counted in ClinVar's aggregate classification.

Clinical Genetics Service, Universitary Hospital 12 de Octubre
Classification: Pathogenic for Severe early-childhood-onset retinal dystrophy. Review status: criteria provided, single submitter. Criteria: ACMG Guidelines, 2015. Collection method: clinical testing. Allele origin: maternal. Affected: yes. Not counted in ClinVar's aggregate classification.

OMIM
Classification: Pathogenic for CONE-ROD DYSTROPHY 3. Last evaluated: 2007-03-01. Review status: no assertion criteria provided. Collection method: literature only. Allele origin: germline. Not counted in ClinVar's aggregate classification.

Ophthalmo-Genetics Lab, Instituto de Oftalmologia Conde de Valenciana
Classification: Pathogenic for Stargardt disease 3. Review status: no assertion criteria provided. Collection method: research. Allele origin: germline. Inheritance: Autosomal recessive inheritance. Affected: yes. Not counted in ClinVar's aggregate classification.

Retina International
No classification provided. Review status: no classification provided. Collection method: not provided. Allele origin: unknown. Not counted in ClinVar's aggregate classification.

Literature cited by the submitters: PubMed 10958761 (cited by Labcorp Genetics (formerly Invitae), Labcorp); PubMed 24938718 (cited by Labcorp Genetics (formerly Invitae), Labcorp); PubMed 25312043 (cited by Labcorp Genetics (formerly Invitae), Labcorp); PubMed 26780318 (cited by Labcorp Genetics (formerly Invitae), Labcorp); PubMed 11385708 (cited by Labcorp Genetics (formerly Invitae), Labcorp); PubMed 23755871 (cited by Labcorp Genetics (formerly Invitae), Labcorp); PubMed 29847639 (cited by Labcorp Genetics (formerly Invitae), Labcorp); PubMed 31129250 (cited by Labcorp Genetics (formerly Invitae), Labcorp); PubMed 17325136 (cited by OMIM); PubMed 19028736 (cited by Ophthalmo-Genetics Lab, Instituto de Oftalmologia Conde de Valenciana).

NM_000350.3(ABCA4):c.2888del (p.Gly963fs)

Gene: ABCA4 (ATP binding cassette subfamily A member 4; minus strand). Cytogenetic location: 1p22.1.
Variant type: Deletion.
Coding change: c.2888del on transcript NM_000350.3 (MANE Select); coding-DNA position 2888, one base deleted (G; older notation c.2888delG).
Protein change: p.Gly963fs; shifts the reading frame from glycine 963.
Molecular consequence: frameshift variant.
Genome position (GRCh38, 1-based): chr1:94,046,949, C deleted on the plus strand (G on the coding strand, the reverse complement: ABCA4 is on the minus strand); the first of 3 consecutive C bases (chr1:94,046,949-94,046,951); deleting any one gives the same sequence. VCF-style (leftmost placement, unchanged base first): chr1-94046948-GC-G. GRCh37 (hg19) VCF-style: chr1-94512504-GC-G.
Other names: NM_000350.3(ABCA4):c.2888del; c.2888delG (NM_000350.3); c.2886delG (NM_000350.2); c.2664delG, p.Gly889Alafs (NM_001425324.1); short protein forms G963fs.
Identifiers: ClinVar variation 7905 (VCV000007905.13), dbSNP rs61752410, ClinGen allele CA119138.